The following is an entry in ClinVar:

NM_024301.5(FKRP):c.551C>T (p.Ala184Val)

Gene: FKRP (fukutin related protein; plus strand). Cytogenetic location: 19q13.32.
Variant type: single nucleotide variant.
Coding change: c.551C>T on transcript NM_024301.5 (MANE Select); coding-DNA position 551, C replaced by T.
Protein change: p.Ala184Val; replaces alanine 184 with valine.
Molecular consequence: missense variant.
Genome position (GRCh38, 1-based): chr19:46,756,001, C>T. VCF-style: chr19-46756001-C-T. GRCh37 (hg19) VCF-style: chr19-47259258-C-T.
Other names: c.551C>T, p.Ala184Val (NM_001039885.3); short protein forms A184V.
Identifiers: ClinVar variation 642538 (VCV000642538.11), dbSNP rs1489408026, ClinGen allele CA406495551.
Genomic context (GRCh38, chr19:46,756,001, plus strand): 5'-ACCCTGCCAGGTGCCTGGCCCTGAACGTCAGCCTGCGAGAGTGGACCGCCCGCTATGGCG[C>T]AGCCCCCGCCGCGCCCCGCTGCGACGCCCTGGACGGAGATGCTGTGGTGCTCCTGCGCGC-3'
Protein context (NP_077277.1, residues 174-194): SLREWTARYG[Ala184Val]APAAPRCDAL

ClinVar aggregate classification (germline): Uncertain significance. Review status: criteria provided, multiple submitters, no conflicts (2 of 4 stars). 5 submissions from 5 submitters: Uncertain significance (4). 1 of the submissions does not count toward it. Last evaluated 2026-04-24.

Conditions:
Walker-Warburg congenital muscular dystrophy. Also called: Muscular dystrophy-dystroglycanopathy, type A; Walker-Warburg syndrome. Identifiers: Orphanet 899, MedGen C0265221, MONDO:0000171.
Autosomal recessive limb-girdle muscular dystrophy type 2I. Also called: MUSCULAR DYSTROPHY, LIMB-GIRDLE, TYPE 2I; MUSCULAR DYSTROPHY-DYSTROGLYCANOPATHY (LIMB-GIRDLE), TYPE C, 5; MUSCULAR DYSTROPHY-DYSTROGLYCANOPATHY, LIMB-GIRDLE, FRKP-RELATED. Identifiers: Orphanet 34515, MedGen C1846672, MONDO:0011787, OMIM 607155.
Cardiovascular phenotype. Identifiers: MedGen CN230736.
Muscular dystrophy-dystroglycanopathy (congenital with brain and eye anomalies), type A5. Also called: MUSCULAR DYSTROPHY-DYSTROGLYCANOPATHY (CONGENITAL WITH BRAIN AND EYE ANOMALIES), TYPE A, 5; WALKER-WARBURG SYNDROME OR MUSCLE-EYE-BRAIN DISEASE, FKRP-RELATED. Identifiers: Orphanet 588, Orphanet 899, MedGen C3150413, MONDO:0013157, OMIM 613153.
Muscular dystrophy-dystroglycanopathy type B5 (MDDGB5). Also called: MUSCULAR DYSTROPHY, CONGENITAL, 1C; MUSCULAR DYSTROPHY, CONGENITAL, FKRP-RELATED; MUSCULAR DYSTROPHY-DYSTROGLYCANOPATHY (CONGENITAL WITH OR WITHOUT IMPAIRED INTELLECTUAL DEVELOPMENT), TYPE B, 5. Identifiers: MedGen C1847759, MONDO:0011688, OMIM 606612.
Muscular dystrophy-dystroglycanopathy (congenital with brain and eye anomalies), type A1 (MDDGA1). Also called: COD-MD SYNDROME; WALKER-WARBURG SYNDROME OR MUSCLE-EYE-BRAIN DISEASE, POMT1-RELATED; Hydrocephalus, agyria and retinal dysplasia; Hard +/- E syndrome; Warburg syndrome; Chemke syndrome. Identifiers: Orphanet 588, Orphanet 899, MedGen C4284790, MONDO:0009364, OMIM 236670.

Allele frequency attached by ClinVar (database versions not stated): gnomAD 0.00001; TOPMed 0.00001.
gnomAD v4.1: 1 of 1,548,066 alleles (0.000065%); highest among the groups gnomAD compares: African/African-American, 0.0014%; no homozygotes.

Submissions (5):

GeneDx
Classification: Uncertain significance. Last evaluated: 2026-04-24. Review status: criteria provided, single submitter. Criteria: GeneDx Variant Classification Process June 2021. Collection method: clinical testing. Allele origin: germline.
Comment: Not observed at significant frequency in large population cohorts (gnomAD); Missense variants in this gene are a common cause of disease and they are underrepresented in the general population; In silico analysis suggests that this missense variant does not alter protein structure/function; Has not been previously published as pathogenic or benign to our knowledge; This variant is associated with the following publications: (PMID: 27439679)

Ambry Genetics
Classification: Uncertain significance for Cardiovascular phenotype. Last evaluated: 2023-10-27. Review status: criteria provided, single submitter. Criteria: Ambry Variant Classification Scheme 2023. Collection method: clinical testing. Allele origin: germline.
Comment: The p.A184V variant (also known as c.551C>T), located in coding exon 1 of the FKRP gene, results from a C to T substitution at nucleotide position 551. The alanine at codon 184 is replaced by valine, an amino acid with similar properties. This amino acid position is poorly conserved in available vertebrate species. In addition, this alteration is predicted to be tolerated by in silico analysis. Since supporting evidence is limited at this time, the clinical significance of this alteration remains unclear.

Labcorp Genetics (formerly Invitae), Labcorp
Classification: Uncertain significance for Walker-Warburg congenital muscular dystrophy. Last evaluated: 2022-07-22. Review status: criteria provided, single submitter. Criteria: Invitae Variant Classification Sherloc (09022015). Collection method: clinical testing. Allele origin: germline.
Comment: This sequence change replaces alanine, which is neutral and non-polar, with valine, which is neutral and non-polar, at codon 184 of the FKRP protein (p.Ala184Val). This variant is present in population databases (no rsID available, gnomAD 0.01%). This variant has not been reported in the literature in individuals affected with FKRP-related conditions. ClinVar contains an entry for this variant (Variation ID: 642538). Algorithms developed to predict the effect of missense changes on protein structure and function (SIFT, PolyPhen-2, Align-GVGD) all suggest that this variant is likely to be tolerated. In summary, the available evidence is currently insufficient to determine the role of this variant in disease. Therefore, it has been classified as a Variant of Uncertain Significance.

Fulgent Genetics
Classification: Uncertain significance for Muscular dystrophy-dystroglycanopathy (congenital with brain and eye anomalies), type A1; Muscular dystrophy-dystroglycanopathy type B5; Autosomal recessive limb-girdle muscular dystrophy type 2I; Muscular dystrophy-dystroglycanopathy (congenital with brain and eye anomalies), type A5. Last evaluated: 2021-10-20. Review status: criteria provided, single submitter. Criteria: ACMG Guidelines, 2015. Collection method: clinical testing. Allele origin: unknown.

Natera, Inc.
Classification: Uncertain significance for Limb-girdle muscular dystrophy type 2I. Last evaluated: 2020-09-16. Review status: no assertion criteria provided. Collection method: clinical testing. Allele origin: germline. Not counted in ClinVar's aggregate classification.